The following is an entry in ClinVar:

NM_000535.7(PMS2):c.446A>G (p.Tyr149Cys)

Gene: PMS2 (PMS1 homolog 2, mismatch repair system component; minus strand). Cytogenetic location: 7p22.1.
Variant type: single nucleotide variant.
Coding change: c.446A>G on transcript NM_000535.7 (MANE Select); coding-DNA position 446, A replaced by G.
Protein change: p.Tyr149Cys; replaces tyrosine 149 with cysteine.
Molecular consequence: missense variant. On other transcripts: 5 prime UTR variant (2), non-coding transcript variant (1), intron variant (1).
Genome position (GRCh38, 1-based): chr7:6,002,544, T>C on the plus strand (A>G on the coding strand, the complement: PMS2 is on the minus strand). VCF-style: chr7-6002544-T-C. GRCh37 (hg19) VCF-style: chr7-6042175-T-C.
Other names: c.41A>G, p.Tyr14Cys (NM_001018040.1, NM_001322003.2, NM_001322004.2 and 25 more transcripts); c.446A>G, p.Tyr149Cys (NM_001322006.2, NM_001322014.2, NM_001406869.1 and 8 more transcripts); c.128A>G, p.Tyr43Cys (NM_001322007.2, NM_001322008.2, NM_001406876.1 and 4 more transcripts); c.-439A>G (NM_001322011.2, NM_001322012.2); c.137A>G, p.Tyr46Cys (NM_001322015.2, NM_001406875.1, NM_001406877.1 and 6 more transcripts); c.632A>G, p.Tyr211Cys (NM_001406866.1); c.470A>G, p.Tyr157Cys (NM_001406868.1); c.250+1428A>G (NM_001406885.1); short protein forms Y149C, Y14C, Y157C, Y211C, Y43C, Y46C.
Identifiers: ClinVar variation 3074794 (VCV003074794.1), dbSNP rs1554304003, ClinGen allele CA366744331.

ClinVar aggregate classification (germline): Uncertain significance (1 of 4 stars; one submission).

Conditions:
Lynch syndrome. Identifiers: Orphanet 144, MedGen C4552100, MONDO:0005835. Disease mechanism: loss of function.

Submission:

All of Us Research Program, National Institutes of Health
Classification: Uncertain significance for Lynch syndrome. Last evaluated: 2023-12-13. Review status: criteria provided, single submitter. Criteria: ACMG Guidelines, 2015. Collection method: clinical testing. Allele origin: germline. Inheritance: Autosomal dominant inheritance. Observed: 1 variant allele, 1 heterozygote.
Comment: This missense variant replaces tyrosine with cysteine at codon 149 of the PMS2 protein. Computational prediction suggests that this variant may not impact protein structure and function (internally defined REVEL score threshold <= 0.5, PMID: 27666373). To our knowledge, functional studies have not been reported for this variant. This variant has not been reported in individuals affected with PMS2-related disorders in the literature. This variant has not been identified in the general population by the Genome Aggregation Database (gnomAD). The available evidence is insufficient to determine the role of this variant in disease conclusively. Therefore, this variant is classified as a Variant of Uncertain Significance.

This study involves interpretation of variants in research participants for the purpose of population health screening. Participant phenotype was not available at the time of variant classification. Additional details can be found in publication PMID: 35346344, PMCID: PMC8962531